The following is an entry in ClinVar:

NM_000135.4(FANCA):c.133G>T (p.Glu45Ter)

Gene: FANCA (FA complementation group A; minus strand). Cytogenetic location: 16q24.3.
Variant type: single nucleotide variant.
Coding change: c.133G>T on transcript NM_000135.4 (MANE Select); coding-DNA position 133, G replaced by T.
Protein change: p.Glu45Ter; replaces glutamic acid 45 with a stop codon.
Molecular consequence: nonsense.
Genome position (GRCh38, 1-based): chr16:89,815,933, C>A on the plus strand (G>T on the coding strand, the complement: FANCA is on the minus strand). VCF-style: chr16-89815933-C-A. GRCh37 (hg19) VCF-style: chr16-89882341-C-A.
Other names: c.133G>T (NM_000135.3); c.133G>T, p.Glu45Ter (NM_001018112.3, NM_001286167.3, NM_001351830.2); short protein forms E45*.
Identifiers: ClinVar variation 3581591 (VCV003581591.2).

ClinVar aggregate classification (germline): Pathogenic/Likely pathogenic. Review status: criteria provided, multiple submitters, no conflicts (2 of 4 stars). 2 submissions from 2 submitters: Pathogenic (1); Likely pathogenic (1). Last evaluated 2024-12-26.

Conditions:
Fanconi anemia (FA). Also called: Fanconi's anemia. Identifiers: Orphanet 84, MedGen C0015625, MeSH D005199, MONDO:0019391.
Fanconi anemia complementation group A (FANCA). Also called: FANCA-Related Fanconi Anemia; Fanconi anemia, group A. Identifiers: Orphanet 84, MedGen C3469521, MONDO:0009215, OMIM 227650.

Submissions (2):

Natera, Inc.
Classification: Likely pathogenic for Fanconi anemia. Last evaluated: 2024-12-26. Review status: criteria provided, single submitter. Criteria: Natera Variant Classification Schema (03/2026). Collection method: clinical testing. Allele origin: germline.
Comment: The c.133G>T variant in FANCA is a nonsense variant predicted to introduce a stop codon at amino acid 45. This variant may result in a truncated or dysfunctional protein product. This variant is rare in the general population with a frequency below the threshold expected for the associated phenotype(s). Given the available evidence, this variant is classified as Likely Pathogenic.

Fulgent Genetics
Classification: Pathogenic for Fanconi anemia complementation group A. Last evaluated: 2024-02-02. Review status: criteria provided, single submitter. Criteria: ACMG Guidelines, 2015. Collection method: clinical testing. Allele origin: germline.